The following is an entry in ClinVar:

ClinVar aggregate classification (germline): Pathogenic (1 of 4 stars; one submission).

Conditions:
Gastrointestinal stromal tumor. Also called: Gastrointestinal stromal tumor, somatic; Gastrointestinal stroma tumor. Identifiers: Orphanet 44890, MedGen C0238198, MeSH D046152, MONDO:0011719, OMIM 606764, HP:0100723.

Submission:

Labcorp Genetics (formerly Invitae), Labcorp
Classification: Pathogenic for Gastrointestinal stromal tumor. Last evaluated: 2023-08-14. Review status: criteria provided, single submitter. Criteria: Invitae Variant Classification Sherloc (09022015). Collection method: clinical testing. Allele origin: unknown.
Comment: This variant is a gross deletion of the genomic region encompassing exon(s) 1 of the KIT gene, which includes the initiator codon. This deletion extends beyond the assayed region for this gene and therefore may encompass additional genes. It is expected to result in an absent or disrupted protein product. Loss-of-function variants in KIT are known to be pathogenic (PMID: 15194144). This variant has not been reported in the literature in individuals affected with KIT-related conditions. For these reasons, this variant has been classified as Pathogenic.

Literature cited by the submitters: PubMed 15194144.

NC_000004.11:g.(?_55522488)_(55524258_?)del

Gene: KIT (KIT proto-oncogene, receptor tyrosine kinase; plus strand). Cytogenetic location: 4q12.
Variant type: Deletion.
Identifiers: ClinVar variation 3246589 (VCV003246589.1).